The following is an entry in ClinVar:

ClinVar aggregate classification (germline): Pathogenic. Review status: criteria provided, multiple submitters, no conflicts (2 of 4 stars). 8 submissions from 7 submitters: Pathogenic (7). 1 of the submissions does not count toward it. Last evaluated 2026-07-20.

Conditions:
Hematuria, benign familial, 2 (BFH2). Identifiers: MedGen C5830421, MONDO:0958186, OMIM 620320.
Alport syndrome 3b, autosomal recessive. Identifiers: MedGen C5882699, MONDO:0957811, OMIM 620536.
Autosomal dominant Alport syndrome (ATS3A). Also called: ALPORT SYNDROME 3A, AUTOSOMAL DOMINANT; Alport syndrome dominant type; Renal failure and sensorineural hearing loss. Identifiers: Orphanet 63, Orphanet 88918, MedGen C5882663, MONDO:0007086, OMIM 104200.
Autosomal recessive Alport syndrome (ATS2). Also called: COL4A3-Related Nephropathy; COL4A4 Alport Syndrome and Thin Basement Membrane Nephropathy; Alport syndrome type 2; ALPORT SYNDROME 2, AUTOSOMAL RECESSIVE. Identifiers: Orphanet 63, Orphanet 88919, MedGen C4746745, MONDO:0008762, OMIM 203780.
Hematuria. Identifiers: MedGen C0018965, HP:0000790.
Benign familial hematuria. Also called: thin basement membrane disease. Identifiers: MedGen C0241908, MONDO:0957317.
Alport syndrome. Also called: Hemorrhagic familial nephritis; Hemorrhagic hereditary nephritis; Congenital hereditary hematuria. Identifiers: Orphanet 63, MedGen C1567741, MONDO:0018965.

Allele frequency attached by ClinVar (database versions not stated): gnomAD exomes 0.00001 and below 0.00001; gnomAD 0.00002 and 0.00001; TOPMed 0.00001.
gnomAD v4.1: 8 of 1,611,296 alleles (0.0005%); highest among the groups gnomAD compares: African/African-American, 0.0013%; no homozygotes.

Submissions (8):

Genetics Laboratory, Great Ormond Street Hospital NHS Foundation Trust, North Thames Genomic Laboratory Hub
Classification: Pathogenic for Haematuria. Last evaluated: 2026-07-20. Review status: criteria provided, single submitter. Criteria: ACGS Best Practice Guidelines for Variant Classification in Rare Disease 2024 v1.2. Collection method: clinical testing. Allele origin: germline. Affected: yes.
Comment: PM2_moderate, PVS1_very-strong, PM3_supporting

GeneDx
Classification: Pathogenic. Last evaluated: 2026-03-23. Review status: criteria provided, single submitter. Criteria: GeneDx Variant Classification Process June 2021. Collection method: clinical testing. Allele origin: germline.
Comment: Nonsense variant predicted to result in protein truncation or nonsense mediated decay in a gene for which loss of function is a known mechanism of disease; Not observed at significant frequency in large population cohorts (gnomAD); This variant is associated with the following publications: (PMID: 11134255, 24052634)

Natera, Inc.
Classification: Pathogenic for Alport syndrome. Last evaluated: 2025-10-22. Review status: criteria provided, single submitter. Criteria: Natera Variant Classification Schema (03/2026). Collection method: clinical testing. Allele origin: germline.
Comment: The c.391G>T variant in COL4A3 is a nonsense variant predicted to introduce a stop codon at amino acid 131. This variant is expected to result in nonsense mediated decay, truncation, or a dysfunctional protein product. This variant is rare in the general population with a frequency below the threshold expected for the associated phenotype(s). This variant has been observed in one or more individuals affected with the associated recessive disease, as either homozygous or compound heterozygous with a second variant (PMID: 24052634). Given the available evidence, this variant is classified as Pathogenic.

Labcorp Genetics (formerly Invitae), Labcorp
Classification: Pathogenic. Last evaluated: 2024-02-23. Review status: criteria provided, single submitter. Criteria: Invitae Variant Classification Sherloc (09022015). Collection method: clinical testing. Allele origin: germline.
Comment: This sequence change creates a premature translational stop signal (p.Glu131*) in the COL4A3 gene. It is expected to result in an absent or disrupted protein product. Loss-of-function variants in COL4A3 are known to be pathogenic (PMID: 8956999, 24854265, 26809805, 27281700). This variant is present in population databases (no rsID available, gnomAD 0.003%). This premature translational stop signal has been observed in individual(s) with clinical features of Alport syndrome (PMID: 24052634). ClinVar contains an entry for this variant (Variation ID: 558496). Algorithms developed to predict the effect of sequence changes on RNA splicing suggest that this variant may disrupt the consensus splice site. For these reasons, this variant has been classified as Pathogenic.

Fulgent Genetics
Classification: Pathogenic for Autosomal dominant Alport syndrome; Hematuria, benign familial, 2; Alport syndrome 3b, autosomal recessive. Last evaluated: 2024-01-05. Review status: criteria provided, single submitter. Criteria: ACMG Guidelines, 2015. Collection method: clinical testing. Allele origin: germline.

Women's Health and Genetics/Laboratory Corporation of America, LabCorp
Classification: Pathogenic for Alport syndrome autosomal recessive. Last evaluated: 2020-06-03. Review status: criteria provided, single submitter. Criteria: LabCorp Variant Classification Summary - May 2015. Collection method: clinical testing. Allele origin: germline.
Comment: Variant summary: COL4A3 c.391G>T (p.Glu131X) results in a premature termination codon, predicted to cause a truncation of the encoded protein or absence of the protein due to nonsense mediated decay, which are commonly known mechanisms for disease. Truncations downstream of this position have been classified as pathogenic by our laboratory. The variant allele was found at a frequency of 8e-06 in 249198 control chromosomes (gnomAD). c.391G>T has been reported in the literature in at least one individual affected with Alport Syndrome, Autosomal Recessive (e.g. Storey_2013). To our knowledge, no experimental evidence demonstrating an impact on protein function has been reported. Two ClinVar submitters (evaluation after 2014) cite the variant as pathogenic/likely pathogenic. Based on the evidence outlined above, the variant was classified as pathogenic.

Fulgent Genetics
Classification: Pathogenic for Autosomal dominant Alport syndrome; Hematuria, benign familial, 1; Autosomal recessive Alport syndrome. Last evaluated: 2018-10-31. Review status: criteria provided, single submitter. Criteria: ACMG Guidelines, 2015. Collection method: clinical testing. Allele origin: unknown.

Counsyl
Classification: Likely pathogenic for Autosomal recessive Alport syndrome. Last evaluated: 2018-05-23. Review status: no assertion criteria provided. Collection method: clinical testing. Allele origin: unknown. Not counted in ClinVar's aggregate classification.

Literature cited by the submitters: PubMed 24052634 (cited by 4 submitters); PubMed 8956999 (cited by Labcorp Genetics (formerly Invitae), Labcorp); PubMed 24854265 (cited by Labcorp Genetics (formerly Invitae), Labcorp); PubMed 26809805 (cited by Labcorp Genetics (formerly Invitae), Labcorp); PubMed 27281700 (cited by Labcorp Genetics (formerly Invitae), Labcorp); PubMed 11134255 (cited by Counsyl).

NM_000091.5(COL4A3):c.391G>T (p.Glu131Ter)

Genes: COL4A3 (collagen type IV alpha 3 chain; plus strand), MFF-DT (MFF divergent transcript; minus strand). Cytogenetic location: 2q36.3.
Variant type: single nucleotide variant.
Coding change: c.391G>T on transcript NM_000091.5 (MANE Select); coding-DNA position 391, G replaced by T.
Protein change: p.Glu131Ter; replaces glutamic acid 131 with a stop codon.
Molecular consequence: nonsense.
Genome position (GRCh38, 1-based): chr2:227,246,688, G>T. VCF-style: chr2-227246688-G-T. GRCh37 (hg19) VCF-style: chr2-228111404-G-T.
Other names: short protein forms E131*.
Identifiers: ClinVar variation 558496 (VCV000558496.18), dbSNP rs1346138010, ClinGen allele CA350861757.